The following is an entry in ClinVar:

ClinVar aggregate classification (germline): Likely pathogenic (1 of 4 stars; one submission).

Conditions:
Duchenne muscular dystrophy (DMD). Also called: MUSCULAR DYSTROPHY, PSEUDOHYPERTROPHIC PROGRESSIVE, DUCHENNE TYPE; Duchenne Muscular Dystrophy (DMD). Identifiers: Orphanet 98896, MedGen C0013264, MONDO:0010679, OMIM 310200.

Submission:

Labcorp Genetics (formerly Invitae), Labcorp
Classification: Likely pathogenic for Duchenne muscular dystrophy. Last evaluated: 2020-01-06. Review status: criteria provided, single submitter. Criteria: Invitae Variant Classification Sherloc (09022015). Collection method: clinical testing. Allele origin: unknown.
Comment: In summary, the currently available evidence indicates that the variant is pathogenic, but additional data are needed to prove that conclusively. Therefore, this variant has been classified as Likely Pathogenic. This variant disrupts the p.Cys3313 amino acid residue in DMD. Other variant(s) that disrupt this residue have been determined to be pathogenic (PMID: 12632325, Invitae). This suggests that this residue is clinically significant, and that variants that disrupt this residue are likely to be disease-causing. A similar copy number variant has been observed in individual(s) with Duchenne muscular dystrophy (PMID: 31705731). This variant is a gross deletion of the genomic region encompassing exons 68-79 of the DMD gene. The 5' boundary is likely confined to intron 67. The 3' end of this event is unknown as it extends through the termination codon beyond the assayed region for this gene and may encompass additional genes. While this deletion is not anticipated to result in nonsense mediated decay, it is expected to create a truncated protein product or disrupt mRNA translation.

Literature cited by the submitters: PubMed 12632325; PubMed 31705731.

NC_000023.10:g.(?_31139940)_(31201031_?)del

Gene: DMD (dystrophin; minus strand). Cytogenetic location: Xp21.2.
Variant type: Deletion.
Identifiers: ClinVar variation 3248461 (VCV003248461.1).